The following is an entry in ClinVar:

NM_002626.6(PFKL):c.1410-5T>C

Gene: PFKL (phosphofructokinase, liver type; plus strand). Cytogenetic location: 21q22.3.
Variant type: single nucleotide variant.
Coding change: c.1410-5T>C on transcript NM_002626.6 (MANE Select); 5 bases into the intron before coding-DNA position 1410, T replaced by C.
Molecular consequence: intron variant.
Genome position (GRCh38, 1-based): chr21:44,322,957, T>C. VCF-style: chr21-44322957-T-C. GRCh37 (hg19) VCF-style: chr21-45742840-T-C.
Other names: c.1560-5T>C (NM_001002021.3).
Identifiers: ClinVar variation 3052119 (VCV003052119.2), dbSNP rs199547282, ClinGen allele CA10053014.

ClinVar aggregate classification (germline): Likely benign (0 of 4 stars; one submission).

Conditions:
PFKL-related disorder. Also called: PFKL-related condition.

Allele frequency attached by ClinVar (database versions not stated): ESP Exome Variant Server 0.00015; 1000 Genomes Project 0.00020; 1000 Genomes Project 30x 0.00031.
gnomAD v4.1: 137 of 1,609,154 alleles (0.0085%); highest among the groups gnomAD compares: Non-Finnish European, 0.011%; no homozygotes.

Submission:

PreventionGenetics, part of Exact Sciences
Classification: Likely benign for PFKL-related condition. Last evaluated: 2022-04-01. Review status: no assertion criteria provided. Collection method: clinical testing. Allele origin: germline.
Comment: This variant is classified as likely benign based on ACMG/AMP sequence variant interpretation guidelines (Richards et al. 2015 PMID: 25741868, with internal and published modifications).